The following is an entry in ClinVar:

NM_000070.3(CAPN3):c.1079G>A (p.Trp360Ter)

Gene: CAPN3 (calpain 3; plus strand). Cytogenetic location: 15q15.1.
Variant type: single nucleotide variant.
Coding change: c.1079G>A on transcript NM_000070.3 (MANE Select); coding-DNA position 1079, G replaced by A.
Protein change: p.Trp360Ter; replaces tryptophan 360 with a stop codon.
Molecular consequence: nonsense.
Genome position (GRCh38, 1-based): chr15:42,394,305, G>A. VCF-style: chr15-42394305-G-A. GRCh37 (hg19) VCF-style: chr15-42686503-G-A.
Other names: c.1079G>A, p.Trp360Ter (NM_024344.2); c.935G>A, p.Trp312Ter (NM_173087.2); short protein forms W360*, W312*.
Identifiers: ClinVar variation 550578 (VCV000550578.15), dbSNP rs1555421280, ClinGen allele CA391999014.

ClinVar aggregate classification (germline): Pathogenic. Review status: criteria provided, multiple submitters, no conflicts (2 of 4 stars). 5 submissions from 5 submitters: Pathogenic (4). 1 of the submissions does not count toward it. Last evaluated 2025-09-22.

Conditions:
Autosomal recessive limb-girdle muscular dystrophy type 2A (LGMDR1). Also called: Muscular dystrophy, limb-girdle, type 2A, Amish; Limb-girdle muscular dystrophy, type 2A; Calpainopathy; LEYDEN-MOEBIUS MUSCULAR DYSTROPHY; MUSCULAR DYSTROPHY, PELVOFEMORAL. Identifiers: Orphanet 267, MedGen C1869123, MONDO:0009675, OMIM 253600. Disease mechanism: loss of function.
CAPN3-related disorder. Also called: CAPN3-related condition; CAPN3-related disorders. Identifiers: MedGen CN239245.

Allele frequency attached by ClinVar (database versions not stated): gnomAD exomes below 0.00001.
gnomAD v4.1: 3 of 1,563,404 alleles (0.00019%); highest among the groups gnomAD compares: Non-Finnish European, 0.00026%; no homozygotes.

Submissions (5):

Natera, Inc.
Classification: Pathogenic for Limb-girdle muscular dystrophy type 2A. Last evaluated: 2025-09-22. Review status: criteria provided, single submitter. Criteria: Natera Variant Classification Schema (03/2026). Collection method: clinical testing. Allele origin: germline.
Comment: The c.1079G>A variant in CAPN3 is a nonsense variant predicted to introduce a stop codon at amino acid 360. This variant is expected to result in nonsense mediated decay, truncation, or a dysfunctional protein product. This variant is rare in the general population with a frequency below the threshold expected for the associated phenotype(s). This variant has been observed in one or more individuals affected with the associated recessive disease, as either homozygous or compound heterozygous with a second variant (PMID: 16650086, 11731278). Given the available evidence, this variant is classified as Pathogenic.

PreventionGenetics, part of Exact Sciences
Classification: Pathogenic for CAPN3-related condition. Last evaluated: 2025-07-01. Review status: criteria provided, single submitter. Criteria: ACMG Guidelines, 2015. Collection method: clinical testing. Allele origin: germline.
Comment: The CAPN3 c.1079G>A variant is predicted to result in premature protein termination (p.Trp360*). This variant has been reported with a second CAPN3 frameshift variant in an individual with limb-girdle muscular dystrophy (Reported as T360X, Richard et al. 1995. PubMed ID: 7720071). This variant has not been reported in a large population database (gnomAD), indicating this variant is rare. Nonsense variants in CAPN3 are expected to be pathogenic. This variant is interpreted as pathogenic.

Labcorp Genetics (formerly Invitae), Labcorp
Classification: Pathogenic for Autosomal recessive limb-girdle muscular dystrophy type 2A. Last evaluated: 2021-08-09. Review status: criteria provided, single submitter. Criteria: Invitae Variant Classification Sherloc (09022015). Collection method: clinical testing. Allele origin: germline.
Comment: This sequence change creates a premature translational stop signal (p.Trp360*) in the CAPN3 gene. It is expected to result in an absent or disrupted protein product. Loss-of-function variants in CAPN3 are known to be pathogenic (PMID: 10330340, 15689361). For these reasons, this variant has been classified as Pathogenic. Algorithms developed to predict the effect of sequence changes on RNA splicing suggest that this variant may create or strengthen a splice site. ClinVar contains an entry for this variant (Variation ID: 550578). This premature translational stop signal has been observed in individual(s) with autosomal recessive CAPN3-related conditions (PMID: 7720071). This variant is not present in population databases (ExAC no frequency).

Eurofins Ntd Llc (ga)
Classification: Pathogenic. Last evaluated: 2018-06-20. Review status: criteria provided, single submitter. Criteria: EGL ClinVar v180209 classification definitions. Collection method: clinical testing. Allele origin: germline. Observed: 1 variant allele, 1 heterozygote.

Counsyl
Classification: Pathogenic for Autosomal recessive limb-girdle muscular dystrophy type 2A. Last evaluated: 2017-02-01. Review status: no assertion criteria provided. Collection method: clinical testing. Allele origin: unknown. Not counted in ClinVar's aggregate classification.

Literature cited by the submitters: PubMed 16650086 (cited by Natera, Inc. and Counsyl); PubMed 11731278 (cited by Natera, Inc. and Counsyl); PubMed 10330340 (cited by Labcorp Genetics (formerly Invitae), Labcorp); PubMed 15689361 (cited by Labcorp Genetics (formerly Invitae), Labcorp); PubMed 7720071 (cited by Labcorp Genetics (formerly Invitae), Labcorp).